The following is an entry in ClinVar:

NM_002049.4(GATA1):c.162_164del (p.Ala59del)

Gene: GATA1 (GATA binding protein 1; plus strand). Cytogenetic location: Xp11.23.
Variant type: Deletion.
Coding change: c.162_164del on transcript NM_002049.4 (MANE Select); coding-DNA positions 162 to 164, 3 bases deleted (CGC; older notation c.162_164delCGC).
Protein change: p.Ala59del; deletes alanine 59.
Molecular consequence: inframe deletion.
Genome position (GRCh38, 1-based): chrX:48,791,271-48,791,273, CGC deleted; deleting any 3 consecutive bases within chrX:48,791,270-48,791,273 gives the same sequence; the c. name uses the placement nearest the transcript's 3' end. VCF-style (leftmost placement, unchanged base first): chrX-48791269-ACCG-A. GRCh37 (hg19) VCF-style: chrX-48649676-ACCG-A.
Other names: short protein forms A59del.
Identifiers: ClinVar variation 2031830 (VCV002031830.4), dbSNP rs2519343788, ClinGen allele CA2580101159.
Genomic context (GRCh38, chrX:48,791,269, plus strand): 5'-TTCCCCTCTGGGCCTGAGGGCTTGGATGCAGCAGCTTCCTCCACTGCCCCGAGCACAGCC[ACCG>A]CTGCAGCTGCGGCACTGGCCTACTACAGGGACGCTGAGGCCTACAGACACTCCCCAGGTA-3'

ClinVar aggregate classification (germline): Uncertain significance (1 of 4 stars; one submission).

Conditions:
Diamond-Blackfan anemia. Also called: Blackfan Diamond syndrome; Aregenerative anemia chronic congenital; Red cell aplasia, pure hereditary; Congenital hypoplastic anemia; Aase syndrome. Identifiers: Orphanet 124, MedGen C1260899, MeSH D029503, MONDO:0015253, HP:0004810.
GATA binding protein 1 related thrombocytopenia with dyserythropoiesis. Also called: GATA1-Related X-Linked Cytopenia; GATA1-Related Cytopenia. Identifiers: MedGen C1845837, MONDO:0100089.

Submission:

Labcorp Genetics (formerly Invitae), Labcorp
Classification: Uncertain significance for GATA binding protein 1 related thrombocytopenia with dyserythropoiesis; Diamond-Blackfan anemia. Last evaluated: 2022-09-22. Review status: criteria provided, single submitter. Criteria: Invitae Variant Classification Sherloc (09022015). Collection method: clinical testing. Allele origin: germline.
Comment: This variant, c.162_164del, results in the deletion of 1 amino acid(s) of the GATA1 protein (p.Ala59del), but otherwise preserves the integrity of the reading frame. In summary, the available evidence is currently insufficient to determine the role of this variant in disease. Therefore, it has been classified as a Variant of Uncertain Significance. Experimental studies and prediction algorithms are not available or were not evaluated, and the functional significance of this variant is currently unknown. This variant has not been reported in the literature in individuals affected with GATA1-related conditions. This variant is not present in population databases (gnomAD no frequency).